The following is an entry in ClinVar:

NM_002474.3(MYH11):c.28G>T (p.Asp10Tyr)

Gene: MYH11 (myosin heavy chain 11; minus strand). Cytogenetic location: 16p13.11.
Variant type: single nucleotide variant.
Coding change: c.28G>T on transcript NM_002474.3 (MANE Select); coding-DNA position 28, G replaced by T.
Protein change: p.Asp10Tyr; replaces aspartic acid 10 with tyrosine.
Molecular consequence: missense variant.
Genome position (GRCh38, 1-based): chr16:15,838,225, C>A on the plus strand (G>T on the coding strand, the complement: MYH11 is on the minus strand). VCF-style: chr16-15838225-C-A. GRCh37 (hg19) VCF-style: chr16-15932082-C-A.
Other names: c.28G>T, p.Asp10Tyr (NM_001040113.2, NM_001040114.2, NM_022844.3); short protein forms D10Y.
Identifiers: ClinVar variation 927523 (VCV000927523.5), dbSNP rs2043958315, ClinGen allele CA395199123.

ClinVar aggregate classification (germline): Uncertain significance. Review status: criteria provided, multiple submitters, no conflicts (2 of 4 stars). 2 submissions from 2 submitters: Uncertain significance (2). Last evaluated 2024-03-06.

Conditions:
Familial thoracic aortic aneurysm and aortic dissection (TAAD). Also called: Thoracic aortic aneurysms and dissections. Identifiers: Orphanet 91387, MedGen C4707243, MONDO:0019625.

gnomAD v4.1: 4 of 1,614,110 alleles (0.00025%); highest among the groups gnomAD compares: East Asian, 0.0089%; no homozygotes.

Submissions (2):

Color Diagnostics, LLC DBA Color Health
Classification: Uncertain significance for Familial thoracic aortic aneurysm and aortic dissection. Last evaluated: 2024-03-06. Review status: criteria provided, single submitter. Criteria: ACMG Guidelines, 2015. Collection method: clinical testing. Allele origin: germline.
Comment: This missense variant replaces aspartic acid with tyrosine at codon 10 of the MYH11 protein. Computational prediction is inconclusive regarding the impact of this variant on protein structure and function (internally defined REVEL score threshold 0.5 < inconclusive < 0.7, PMID: 27666373). Splice site prediction tools suggest that this variant may not impact RNA splicing. To our knowledge, functional studies have not been performed for this variant. This variant has not been reported in individuals affected with cardiovascular disorders in the literature. This variant has not been identified in the general population by the Genome Aggregation Database (gnomAD). The available evidence is insufficient to determine the role of this variant in disease conclusively. Therefore, this variant is classified as a Variant of Uncertain Significance.

All of Us Research Program, National Institutes of Health
Classification: Uncertain significance for Familial thoracic aortic aneurysm and aortic dissection. Last evaluated: 2023-05-31. Review status: criteria provided, single submitter. Criteria: ACMG Guidelines, 2015. Collection method: clinical testing. Allele origin: germline. Inheritance: Autosomal dominant inheritance. Observed: 1 variant allele, 1 heterozygote.
Comment: This missense variant replaces aspartic acid with tyrosine at codon 10 of the MYH11 protein. Computational prediction is inconclusive regarding the impact of this variant on protein structure and function (internally defined REVEL score threshold 0.5 < inconclusive < 0.7, PMID: 27666373). Splice site prediction tools suggest that this variant may not impact RNA splicing. To our knowledge, functional studies have not been performed for this variant. This variant has not been reported in individuals affected with cardiovascular disorders in the literature. This variant has not been identified in the general population by the Genome Aggregation Database (gnomAD). The available evidence is insufficient to determine the role of this variant in disease conclusively. Therefore, this variant is classified as a Variant of Uncertain Significance.

This study involves interpretation of variants in research participants for the purpose of population health screening. Participant phenotype was not available at the time of variant classification. Additional details can be found in publication PMID: 35346344, PMCID: PMC8962531